The following is an entry in ClinVar:

ClinVar aggregate classification (germline): Uncertain significance (1 of 4 stars; one submission).

Conditions:
Developmental and epileptic encephalopathy, 34 (DEE34). Also called: SLC12A5-Related Epilepsy of Infancy with Migrating Focal Seizures; Early infantile epileptic encephalopathy 34. Identifiers: Orphanet 293181, MedGen C4225257, MONDO:0014718, OMIM 616645.

Submission:

Labcorp Genetics (formerly Invitae), Labcorp
Classification: Uncertain significance for Developmental and epileptic encephalopathy, 34. Last evaluated: 2022-05-16. Review status: criteria provided, single submitter. Criteria: Invitae Variant Classification Sherloc (09022015). Collection method: clinical testing. Allele origin: germline.
Comment: In summary, the available evidence is currently insufficient to determine the role of this variant in disease. Therefore, it has been classified as a Variant of Uncertain Significance. Algorithms developed to predict the effect of sequence changes on RNA splicing suggest that this variant may disrupt the consensus splice site. Advanced modeling of protein sequence and biophysical properties (such as structural, functional, and spatial information, amino acid conservation, physicochemical variation, residue mobility, and thermodynamic stability) performed at Invitae indicates that this missense variant is expected to disrupt SLC12A5 protein function. This variant has not been reported in the literature in individuals affected with SLC12A5-related conditions. This variant is not present in population databases (gnomAD no frequency). This sequence change replaces proline, which is neutral and non-polar, with arginine, which is basic and polar, at codon 559 of the SLC12A5 protein (p.Pro559Arg).

NM_020708.5(SLC12A5):c.1676C>G (p.Pro559Arg)

Gene: SLC12A5 (solute carrier family 12 member 5; plus strand). Cytogenetic location: 20q13.12.
Variant type: single nucleotide variant.
Coding change: c.1676C>G on transcript NM_020708.5 (MANE Select); coding-DNA position 1676, C replaced by G.
Protein change: p.Pro559Arg; replaces proline 559 with arginine.
Molecular consequence: missense variant.
Genome position (GRCh38, 1-based): chr20:46,045,984, C>G. VCF-style: chr20-46045984-C-G. GRCh37 (hg19) VCF-style: chr20-44674623-C-G.
Other names: c.1745C>G, p.Pro582Arg (NM_001134771.2); short protein forms P582R, P559R.
Identifiers: ClinVar variation 1995354 (VCV001995354.4), dbSNP rs2515643916, ClinGen allele CA409196575.